The following is an entry in ClinVar:

ClinVar aggregate classification (germline): Uncertain significance. Review status: criteria provided, multiple submitters, no conflicts (2 of 4 stars). 2 submissions from 2 submitters: Uncertain significance (2). Last evaluated 2023-05-16.

Conditions:
Anauxetic dysplasia. Identifiers: Orphanet 93347, MedGen C1846796, MONDO:0011773.

gnomAD v4.1: 17 of 693,610 alleles (0.0025%); highest among the groups gnomAD compares: Non-Finnish European, 0.0045%; no homozygotes.

Submissions (2):

Blueprint Genetics
Classification: Uncertain significance. Last evaluated: 2023-05-16. Review status: criteria provided, single submitter. Criteria: ACMG Guidelines, 2015. Collection method: clinical testing. Allele origin: germline.

Labcorp Genetics (formerly Invitae), Labcorp
Classification: Uncertain significance for Anauxetic dysplasia. Last evaluated: 2022-08-16. Review status: criteria provided, single submitter. Criteria: Invitae Variant Classification Sherloc (09022015). Collection method: clinical testing. Allele origin: germline.
Comment: This variant occurs in the RMRP gene, which encodes an RNA molecule that does not result in a protein product. This variant is present in population databases (rs534146932, gnomAD 0.01%). This variant has not been reported in the literature in individuals affected with RMRP-related conditions. Experimental studies and prediction algorithms are not available or were not evaluated, and the functional significance of this variant is currently unknown. In summary, the available evidence is currently insufficient to determine the role of this variant in disease. Therefore, it has been classified as a Variant of Uncertain Significance.

NC_000009.12:g.35658006T>C

Gene: RMRP (RNA component of mitochondrial RNA processing endoribonuclease; minus strand). Cytogenetic location: 9p13.3.
Variant type: single nucleotide variant.
Genome position: GRCh38 VCF-style: chr9-35658006-T-C. GRCh37 (hg19) VCF-style: chr9-35658003-T-C.
Identifiers: ClinVar variation 1990049 (VCV001990049.2), dbSNP rs534146932, ClinGen allele CA192745727.